The following is an entry in ClinVar:

ClinVar aggregate classification (germline): Uncertain significance (1 of 4 stars; one submission).

Submission:

GeneDx
Classification: Uncertain significance. Last evaluated: 2026-03-11. Review status: criteria provided, single submitter. Criteria: GeneDx Variant Classification Process June 2021. Collection method: clinical testing. Allele origin: germline.
Comment: Not observed at significant frequency in large population cohorts (gnomAD); In silico analysis suggests that this missense variant does not alter protein structure/function; Has not been previously published as pathogenic or benign to our knowledge

NM_001330360.2(POLA1):c.637A>G (p.Ile213Val)

Gene: POLA1 (DNA polymerase alpha 1, catalytic subunit; plus strand). Cytogenetic location: Xp22.11.
Variant type: single nucleotide variant.
Coding change: c.637A>G on transcript NM_001330360.2 (MANE Select); coding-DNA position 637, A replaced by G.
Protein change: p.Ile213Val; replaces isoleucine 213 with valine.
Molecular consequence: missense variant. On other transcripts: non-coding transcript variant (2).
Genome position (GRCh38, 1-based): chrX:24,716,902, A>G. VCF-style: chrX-24716902-A-G. GRCh37 (hg19) VCF-style: chrX-24735019-A-G.
Other names: c.637A>G, p.Ile213Val (NM_001378303.1, NM_001440806.1); c.619A>G, p.Ile207Val (NM_016937.4); short protein forms I207V, I213V.
Identifiers: ClinVar variation 5009025 (VCV005009025.1).